The following is an entry in ClinVar:

ClinVar aggregate classification (germline): Conflicting classifications of pathogenicity. Review status: criteria provided, conflicting classifications (1 of 4 stars). 7 submissions from 7 submitters: Uncertain significance (6); Likely benign (1). Last evaluated 2026-02-01.

Conditions:
Congenital heart disease (CHD). Identifiers: MedGen C0152021, MONDO:0005453. Disease mechanism: unknown.
Van Maldergem syndrome 1 (VMLDS1). Also called: Van Maldergem syndrome 1 (VMLDS1). Identifiers: Orphanet 314679, MedGen C4551950, MONDO:0011070, OMIM 601390.

Allele frequency attached by ClinVar (database versions not stated): ExAC 0.00052; gnomAD 0.00058 and 0.00076; ESP Exome Variant Server 0.00062; TOPMed 0.00080.
gnomAD v4.1: 1,364 of 1,613,860 alleles (0.085%); highest among the groups gnomAD compares: Non-Finnish European, 0.1%; no homozygotes.

Submissions (7):

Labcorp Genetics (formerly Invitae), Labcorp
Classification: Likely benign. Last evaluated: 2026-02-01. Review status: criteria provided, single submitter. Criteria: Invitae Variant Classification Sherloc (09022015). Collection method: clinical testing. Allele origin: germline.

Women's Health and Genetics/Laboratory Corporation of America, LabCorp
Classification: Uncertain significance. Last evaluated: 2025-05-13. Review status: criteria provided, single submitter. Criteria: LabCorp Variant Classification Summary - May 2015. Collection method: clinical testing. Allele origin: germline.
Comment: Variant summary: DCHS1 c.590C>T (p.Pro197Leu) results in a non-conservative amino acid change in the encoded protein sequence. Algorithms developed to predict the effect of missense changes on protein structure and function are either unavailable or do not agree on the potential impact of this missense change. The variant allele was found at a frequency of 0.00053 in 250764 control chromosomes. This frequency is not significantly higher than estimated for a pathogenic variant in DCHS1 causing DCHS1-Related Disorders, allowing no conclusion about variant significance. c.590C>T has been observed in individual(s) affected with DCHS1-Related Disorders (Sotos_2017). These report(s) do not provide unequivocal conclusions about association of the variant with DCHS1-Related Disorders. To our knowledge, no experimental evidence demonstrating an impact on protein function has been reported. The following publication have been ascertained in the context of this evaluation (PMID: 29046692). ClinVar contains an entry for this variant (Variation ID: 1028155). Based on the evidence outlined above, the variant was classified as uncertain significance.

GeneDx
Classification: Uncertain significance. Last evaluated: 2024-02-04. Review status: criteria provided, single submitter. Criteria: GeneDx Variant Classification Process June 2021. Collection method: clinical testing. Allele origin: germline. Affected: yes.
Comment: Observed with another DCHS1 variant on the same allele (in cis) in multiple affected individuals with mitral valve prolapse from the same family, however the other DCHS1 variant was thought to be responsible for the phenotype (PMID: 26258302); In silico analysis supports that this missense variant does not alter protein structure/function; This variant is associated with the following publications: (PMID: 30675029, 24252905, 26258302, 29046692)

Revvity Omics, Revvity
Classification: Uncertain significance. Last evaluated: 2022-06-01. Review status: criteria provided, single submitter. Criteria: ACMG Guidelines, 2015. Collection method: clinical testing. Allele origin: germline.

Department of Pathology and Laboratory Medicine, Sinai Health System
Classification: Uncertain significance for congenital heart disease. Last evaluated: 2022-01-20. Review status: criteria provided, single submitter. Criteria: ACMG Guidelines, 2015. Collection method: research. Allele origin: germline.

CENTOGENE GmbH and LLC - Guiding Precision Medicine
Classification: Uncertain significance for Van Maldergem syndrome 1. Last evaluated: 2021-04-30. Review status: criteria provided, single submitter. Criteria: ACMG Guidelines, 2015. Collection method: clinical testing. Allele origin: germline. Affected: yes.

Baylor Genetics
Classification: Uncertain significance for Van Maldergem syndrome 1. Last evaluated: 2020-01-03. Review status: criteria provided, single submitter. Criteria: ACMG Guidelines, 2015. Collection method: clinical testing. Allele origin: unknown. Affected: yes.
Comment: This variant was determined to be of uncertain significance according to ACMG Guidelines, 2015 [PMID:25741868].

Literature cited by the submitters: PubMed 29046692 (cited by Women's Health and Genetics/Laboratory Corporation of America, LabCorp).

NM_003737.4(DCHS1):c.590C>T (p.Pro197Leu)

Gene: DCHS1 (dachsous cadherin-related 1; minus strand). Cytogenetic location: 11p15.4.
Variant type: single nucleotide variant.
Coding change: c.590C>T on transcript NM_003737.4 (MANE Select); coding-DNA position 590, C replaced by T.
Protein change: p.Pro197Leu; replaces proline 197 with leucine.
Molecular consequence: missense variant.
Genome position (GRCh38, 1-based): chr11:6,641,024, G>A on the plus strand (C>T on the coding strand, the complement: DCHS1 is on the minus strand). VCF-style: chr11-6641024-G-A. GRCh37 (hg19) VCF-style: chr11-6662255-G-A.
Other names: short protein forms P197L.
Identifiers: ClinVar variation 1028155 (VCV001028155.19), dbSNP rs145099391, ClinGen allele CA5861126.